The following is an entry in ClinVar:

NM_001385641.1(SAMD11):c.1075C>T (p.Arg359Trp)

Gene: SAMD11 (sterile alpha motif domain containing 11; plus strand). Cytogenetic location: 1p36.33.
Variant type: single nucleotide variant.
Coding change: c.1075C>T on transcript NM_001385641.1 (MANE Select); coding-DNA position 1075, C replaced by T.
Protein change: p.Arg359Trp; replaces arginine 359 with tryptophan.
Molecular consequence: missense variant.
Genome position (GRCh38, 1-based): chr1:939,292, C>T. VCF-style: chr1-939292-C-T. GRCh37 (hg19) VCF-style: chr1-874672-C-T.
Other names: c.538C>T (NM_152486.2); c.1078C>T, p.Arg360Trp (NM_001385640.1); c.538C>T, p.Arg180Trp (NM_152486.4); short protein forms R359W, R180W, R360W.
Identifiers: ClinVar variation 1442886 (VCV001442886.4), dbSNP rs761838880, ClinGen allele CA502694.

ClinVar aggregate classification (germline): Uncertain significance. Review status: criteria provided, multiple submitters, no conflicts (2 of 4 stars). 2 submissions from 2 submitters: Uncertain significance (2). Last evaluated 2025-11-20.

Allele frequency attached by ClinVar (database versions not stated): gnomAD 0.00003 and 0.00004; TOPMed 0.00005; ExAC 0.00006.
gnomAD v4.1: 18 of 1,607,310 alleles (0.0011%); highest among the groups gnomAD compares: East Asian, 0.0022%; 1 homozygote.

Submissions (2):

Ambry Genetics
Classification: Uncertain significance. Last evaluated: 2025-11-20. Review status: criteria provided, single submitter. Criteria: Ambry Variant Classification Scheme 2023. Collection method: clinical testing. Allele origin: germline.

Labcorp Genetics (formerly Invitae), Labcorp
Classification: Uncertain significance. Last evaluated: 2022-06-13. Review status: criteria provided, single submitter. Criteria: Invitae Variant Classification Sherloc (09022015). Collection method: clinical testing. Allele origin: germline.
Comment: This sequence change replaces arginine, which is basic and polar, with tryptophan, which is neutral and slightly polar, at codon 180 of the SAMD11 protein (p.Arg180Trp). This variant is present in population databases (rs761838880, gnomAD 0.006%). This variant has not been reported in the literature in individuals affected with SAMD11-related conditions. Algorithms developed to predict the effect of missense changes on protein structure and function are either unavailable or do not agree on the potential impact of this missense change (SIFT: "Deleterious"; PolyPhen-2: "Possibly Damaging"; Align-GVGD: "Class C0"). In summary, the available evidence is currently insufficient to determine the role of this variant in disease. Therefore, it has been classified as a Variant of Uncertain Significance.